The following is an entry in ClinVar:

ClinVar aggregate classification (germline): Uncertain significance (1 of 4 stars; one submission).

Conditions:
Perlman syndrome (PRLMNS). Identifiers: Orphanet 2849, MedGen C0796113, MONDO:0009965, OMIM 267000.

Submission:

Labcorp Genetics (formerly Invitae), Labcorp
Classification: Uncertain significance for Perlman syndrome. Last evaluated: 2020-07-09. Review status: criteria provided, single submitter. Criteria: Invitae Variant Classification Sherloc (09022015). Collection method: clinical testing. Allele origin: germline.
Comment: Algorithms developed to predict the effect of missense changes on protein structure and function output the following: SIFT: "Tolerated"; PolyPhen-2: "Benign"; Align-GVGD: "Class C0". The threonine amino acid residue is found in multiple mammalian species, suggesting that this missense change does not adversely affect protein function. These predictions have not been confirmed by published functional studies and their clinical significance is uncertain. In summary, the available evidence is currently insufficient to determine the role of this variant in disease. Therefore, it has been classified as a Variant of Uncertain Significance. This variant has not been reported in the literature in individuals with DIS3L2-related conditions. This variant is not present in population databases (ExAC no frequency). This sequence change replaces isoleucine with threonine at codon 856 of the DIS3L2 protein (p.Ile856Thr). The isoleucine residue is weakly conserved and there is a moderate physicochemical difference between isoleucine and threonine.

NM_152383.5(DIS3L2):c.2567T>C (p.Ile856Thr)

Gene: DIS3L2 (DIS3 like 3'-5' exoribonuclease 2; plus strand). Cytogenetic location: 2q37.1.
Variant type: single nucleotide variant.
Coding change: c.2567T>C on transcript NM_152383.5 (MANE Select); coding-DNA position 2567, T replaced by C.
Protein change: p.Ile856Thr; replaces isoleucine 856 with threonine.
Molecular consequence: missense variant. On other transcripts: non-coding transcript variant (2), intron variant (1).
Genome position (GRCh38, 1-based): chr2:232,336,539, T>C. VCF-style: chr2-232336539-T-C. GRCh37 (hg19) VCF-style: chr2-233201249-T-C.
Other names: c.1582-6806T>C (NM_001257281.2); short protein forms I856T.
Identifiers: ClinVar variation 1014926 (VCV001014926.8), dbSNP rs1695955317, ClinGen allele CA350978981.